The following is an entry in ClinVar:

ClinVar aggregate classification (germline): Likely pathogenic (1 of 4 stars; one submission).

Submission:

GeneDx
Classification: Likely pathogenic. Last evaluated: 2024-06-20. Review status: criteria provided, single submitter. Criteria: GeneDx Variant Classification Process June 2021. Collection method: clinical testing. Allele origin: germline. Affected: yes.
Comment: Observed in an individual with hemophilia A, but additional clinical information was not included (PMID: 18459951); Frameshift variant predicted to result in protein truncation or nonsense mediated decay in a gene for which loss of function is a known mechanism of disease; Not observed at significant frequency in large population cohorts (gnomAD); This variant is associated with the following publications: (PMID: 18459951)

NM_000132.4(F8):c.3255_3259del (p.Lys1086fs)

Gene: F8 (coagulation factor VIII; minus strand). Cytogenetic location: Xq28.
Variant type: Deletion.
Coding change: c.3255_3259del on transcript NM_000132.4 (MANE Select); coding-DNA positions 3255 to 3259, 5 bases deleted (TAAAA; older notation c.3255_3259delTAAAA).
Protein change: p.Lys1086fs; shifts the reading frame from lysine 1086.
Molecular consequence: frameshift variant.
Genome position (GRCh38, 1-based): chrX:154,930,531-154,930,535, TTTTA deleted on the plus strand (TAAAA on the coding strand, the reverse complement: F8 is on the minus strand); deleting any 5 consecutive bases within chrX:154,930,531-154,930,538 gives the same sequence; the c. name uses the placement nearest the transcript's 3' end. VCF-style (leftmost placement, unchanged base first): chrX-154930530-GTTTTA-G. GRCh37 (hg19) VCF-style: chrX-154158805-GTTTTA-G.
Other names: short protein forms K1086fs.
Identifiers: ClinVar variation 3391474 (VCV003391474.1).